The following is an entry in ClinVar:

ClinVar aggregate classification (germline): Uncertain significance. Review status: criteria provided, multiple submitters, no conflicts (2 of 4 stars). 2 submissions from 2 submitters: Uncertain significance (2). Last evaluated 2025-06-23.

Conditions:
Arrhythmogenic cardiomyopathy with wooly hair and keratoderma. Also called: PALMOPLANTAR KERATODERMA WITH LEFT VENTRICULAR CARDIOMYOPATHY AND WOOLLY HAIR; Dilated cardiomyopathy with woolly hair and keratoderma; Arrhythmogenic cardiomyopathy with woolly hair and keratoderma; Carvajal syndrome. Identifiers: Orphanet 65282, MedGen C1854063, MONDO:0011581, OMIM 605676.
Arrhythmogenic right ventricular dysplasia 8 (ARVD8). Also called: Arrhythmogenic Right Ventricular Dysplasia/Cardiomyopathy 8; ARRHYTHMOGENIC RIGHT VENTRICULAR DYSPLASIA, FAMILIAL, 8; ARRHYTHMOGENIC RIGHT VENTRICULAR CARDIOMYOPATHY 8. Identifiers: MedGen C1843896, MONDO:0011831, OMIM 607450.
Cardiomyopathy (CMYO). Also called: Cardiomyopathies. Identifiers: Orphanet 167848, MedGen C0878544, MONDO:0004994, HP:0001638. Inheritance: Various modes of inheritance.

gnomAD v4.1: 10 of 1,613,788 alleles (0.00062%); highest among the groups gnomAD compares: Non-Finnish European, 0.00085%; no homozygotes.

Submissions (2):

Color Diagnostics, LLC DBA Color Health
Classification: Uncertain significance for Cardiomyopathy. Last evaluated: 2025-06-23. Review status: criteria provided, single submitter. Criteria: ACMG Guidelines, 2015. Collection method: clinical testing. Allele origin: germline.
Comment: This missense variant replaces glutamine with arginine at codon 471 of the DSP protein. Computational prediction suggests that this variant may have deleterious impact on protein structure and function. To our knowledge, functional studies have not been reported for this variant. This variant has not been reported in individuals affected with DSP-related disorders in the literature. This variant has been identified in 2/251006 chromosomes in the general population by the Genome Aggregation Database (gnomAD). The available evidence is insufficient to determine the role of this variant in disease conclusively. Therefore, this variant is classified as a Variant of Uncertain Significance.

Labcorp Genetics (formerly Invitae), Labcorp
Classification: Uncertain significance for Arrhythmogenic cardiomyopathy with wooly hair and keratoderma; Arrhythmogenic right ventricular dysplasia 8. Last evaluated: 2025-03-05. Review status: criteria provided, single submitter. Criteria: Invitae Variant Classification Sherloc (09022015). Collection method: clinical testing. Allele origin: germline.
Comment: This sequence change replaces glutamine, which is neutral and polar, with arginine, which is basic and polar, at codon 471 of the DSP protein (p.Gln471Arg). This variant is present in population databases (rs771927347, gnomAD 0.002%). This variant has not been reported in the literature in individuals affected with DSP-related conditions. An algorithm developed to predict the effect of missense changes on protein structure and function (PolyPhen-2) suggests that this variant is likely to be disruptive. In summary, the available evidence is currently insufficient to determine the role of this variant in disease. Therefore, it has been classified as a Variant of Uncertain Significance.

NM_004415.4(DSP):c.1412A>G (p.Gln471Arg)

Gene: DSP (desmoplakin; plus strand). Cytogenetic location: 6p24.3.
Variant type: single nucleotide variant.
Coding change: c.1412A>G on transcript NM_004415.4 (MANE Select); coding-DNA position 1412, A replaced by G.
Protein change: p.Gln471Arg; replaces glutamine 471 with arginine.
Molecular consequence: missense variant.
Genome position (GRCh38, 1-based): chr6:7,568,582, A>G. VCF-style: chr6-7568582-A-G. GRCh37 (hg19) VCF-style: chr6-7568815-A-G.
Other names: c.1412A>G, p.Gln471Arg (NM_001008844.3, NM_001319034.2, NM_001406591.1); short protein forms Q471R.
Identifiers: ClinVar variation 4757029 (VCV004757029.2).